The following is an entry in ClinVar:

NM_000297.4(PKD2):c.1671G>C (p.Gln557His)

Gene: PKD2 (polycystin 2, transient receptor potential cation channel; plus strand). Cytogenetic location: 4q22.1.
Variant type: single nucleotide variant.
Coding change: c.1671G>C on transcript NM_000297.4 (MANE Select); coding-DNA position 1671, G replaced by C.
Protein change: p.Gln557His; replaces glutamine 557 with histidine.
Molecular consequence: missense variant. On other transcripts: non-coding transcript variant (1).
Genome position (GRCh38, 1-based): chr4:88,052,113, G>C. VCF-style: chr4-88052113-G-C. GRCh37 (hg19) VCF-style: chr4-88973265-G-C.
Other names: short protein forms Q557H.
Identifiers: ClinVar variation 3254861 (VCV003254861.1), dbSNP rs1720127763.

ClinVar aggregate classification (germline): Uncertain significance (1 of 4 stars; one submission).

Conditions:
Polycystic kidney disease 2 (PKD2). Also called: Polycystic Kidney Disease 2, Autosomal Dominant; POLYCYSTIC KIDNEY DISEASE, ADULT, TYPE II; POLYCYSTIC KIDNEY DISEASE 2 WITH OR WITHOUT POLYCYSTIC LIVER DISEASE. Identifiers: MedGen C2751306, MONDO:0013131, OMIM 613095.

Submission:

Victorian Clinical Genetics Services, Murdoch Childrens Research Institute
Classification: Uncertain significance for Polycystic kidney disease 2. Last evaluated: 2023-07-17. Review status: criteria provided, single submitter. Criteria: ACMG Guidelines, 2015. Collection method: clinical testing. Allele origin: germline. Inheritance: Autosomal dominant inheritance. Affected: yes.
Comment: Based on the classification scheme VCGS_Germline_v1.3.4, this variant is classified as VUS-3A. Following criteria are met: 0102 - Loss of function is a known mechanism of disease in this gene and is associated with polycystic kidney disease 2 (MIM#613095). (I) 0107 - This gene is associated with autosomal dominant disease. (I) 0200 - Variant is predicted to result in a missense amino acid change from glutamine to histidine. (I) 0251 - This variant is heterozygous. (I) 0301 - Variant is absent from gnomAD (both v2 and v3). (SP) 0309 - An alternative amino acid change at the same position has been observed in gnomAD (v3) (1 heterozygote, 0 homozygotes). (I) 0502 - Missense variant with conflicting in silico predictions and uninformative conservation. (I) 0600 - Variant is located in the annotated polycystin cation channel domain (DECIPHER). (I) 0705 - No comparable missense variants have previous evidence for pathogenicity. (I) 0807 - This variant has no previous evidence of pathogenicity. (I) 0905 - No published segregation evidence has been identified for this variant. (I) 1007 - No published functional evidence has been identified for this variant. (I) 1102 - Strong phenotype match for this individual. (SP) 1208 - Inheritance information for this variant is not currently available in this individual. (I) Legend: (SP) - Supporting pathogenic, (I) - Information, (SB) - Supporting benign